The following is an entry in ClinVar:

NM_006361.6(HOXB13):c.139A>G (p.Asn47Asp)

Gene: HOXB13 (homeobox B13; minus strand). Cytogenetic location: 17q21.32.
Variant type: single nucleotide variant.
Coding change: c.139A>G on transcript NM_006361.6 (MANE Select); coding-DNA position 139, A replaced by G.
Protein change: p.Asn47Asp; replaces asparagine 47 with aspartic acid.
Molecular consequence: missense variant.
Genome position (GRCh38, 1-based): chr17:48,728,455, T>C on the plus strand (A>G on the coding strand, the complement: HOXB13 is on the minus strand). VCF-style: chr17-48728455-T-C. GRCh37 (hg19) VCF-style: chr17-46805817-T-C.
Other names: short protein forms N47D.
Identifiers: ClinVar variation 1771712 (VCV001771712.3), dbSNP rs2509515949, ClinGen allele CA400109164.

ClinVar aggregate classification (germline): Uncertain significance. Review status: criteria provided, multiple submitters, no conflicts (2 of 4 stars). 2 submissions from 2 submitters: Uncertain significance (2). Last evaluated 2025-11-25.

Conditions:
Hereditary cancer-predisposing syndrome. Also called: Hereditary Cancer Syndrome; Hereditary neoplastic syndrome; Neoplastic Syndromes, Hereditary; Tumor predisposition. Identifiers: Orphanet 140162, MedGen C0027672, MeSH D009386, MONDO:0015356.

Submissions (2):

Labcorp Genetics (formerly Invitae), Labcorp
Classification: Uncertain significance. Last evaluated: 2025-11-25. Review status: criteria provided, single submitter. Criteria: Invitae Variant Classification Sherloc (09022015). Collection method: clinical testing. Allele origin: germline.
Comment: This sequence change replaces asparagine, which is neutral and polar, with aspartic acid, which is acidic and polar, at codon 47 of the HOXB13 protein (p.Asn47Asp). This variant is not present in population databases (gnomAD no frequency). This variant has not been reported in the literature in individuals affected with HOXB13-related conditions. ClinVar contains an entry for this variant (Variation ID: 1771712). An algorithm developed to predict the effect of missense changes on protein structure and function (PolyPhen-2) suggests that this variant is likely to be tolerated. In summary, the available evidence is currently insufficient to determine the role of this variant in disease. Therefore, it has been classified as a Variant of Uncertain Significance.

Ambry Genetics
Classification: Uncertain significance for Hereditary cancer-predisposing syndrome. Last evaluated: 2022-06-30. Review status: criteria provided, single submitter. Criteria: Ambry Variant Classification Scheme 2023. Collection method: clinical testing. Allele origin: germline.
Comment: The p.N47D variant (also known as c.139A>G), located in coding exon 1 of the HOXB13 gene, results from an A to G substitution at nucleotide position 139. The asparagine at codon 47 is replaced by aspartic acid, an amino acid with highly similar properties. This amino acid position is conserved. In addition, this alteration is predicted to be tolerated by in silico analysis. Since supporting evidence is limited at this time, the clinical significance of this alteration remains unclear.